The following is an entry in ClinVar:

NM_144631.6(ZNF513):c.141_146del (p.Glu53_Glu54del)

Gene: ZNF513 (zinc finger protein 513; minus strand). Cytogenetic location: 2p23.3.
Variant type: Deletion.
Coding change: c.141_146del on transcript NM_144631.6 (MANE Select); coding-DNA positions 141 to 146, 6 bases deleted (GGAGGA; older notation c.141_146delGGAGGA).
Protein change: p.Glu53_Glu54del.
Molecular consequence: inframe deletion. On other transcripts: 5 prime UTR variant (1).
Genome position (GRCh38, 1-based): chr2:27,380,158-27,380,163, TCCTCC deleted on the plus strand (GGAGGA on the coding strand, the reverse complement: ZNF513 is on the minus strand); deleting any 6 consecutive bases within chr2:27,380,158-27,380,165 gives the same sequence; the c. name uses the placement nearest the transcript's 3' end. VCF-style (leftmost placement, unchanged base first): chr2-27380157-TTCCTCC-T. GRCh37 (hg19) VCF-style: chr2-27603024-TTCCTCC-T.
Other names: c.-46_-41del (NM_001201459.2).
Identifiers: ClinVar variation 1926095 (VCV001926095.5), dbSNP rs1204831079, ClinGen allele CA531764460.

ClinVar aggregate classification (germline): Uncertain significance (1 of 4 stars; one submission).

Submission:

Labcorp Genetics (formerly Invitae), Labcorp
Classification: Uncertain significance. Last evaluated: 2024-10-25. Review status: criteria provided, single submitter. Criteria: Invitae Variant Classification Sherloc (09022015). Collection method: clinical testing. Allele origin: germline.
Comment: This variant, c.141_146del, results in the deletion of 2 amino acid(s) of the ZNF513 protein (p.Glu53_Glu54del), but otherwise preserves the integrity of the reading frame. This variant is present in population databases (no rsID available, gnomAD 0.0009%). This variant has not been reported in the literature in individuals affected with ZNF513-related conditions. ClinVar contains an entry for this variant (Variation ID: 1926095). Experimental studies and prediction algorithms are not available or were not evaluated, and the functional significance of this variant is currently unknown. In summary, the available evidence is currently insufficient to determine the role of this variant in disease. Therefore, it has been classified as a Variant of Uncertain Significance.